The following is an entry in ClinVar:

NM_024334.3(TMEM43):c.971A>T (p.Asn324Ile)

Gene: TMEM43 (transmembrane protein 43; plus strand). Cytogenetic location: 3p25.1.
Variant type: single nucleotide variant.
Coding change: c.971A>T on transcript NM_024334.3 (MANE Select); coding-DNA position 971, A replaced by T.
Protein change: p.Asn324Ile; replaces asparagine 324 with isoleucine.
Molecular consequence: missense variant.
Genome position (GRCh38, 1-based): chr3:14,139,268, A>T. VCF-style: chr3-14139268-A-T. GRCh37 (hg19) VCF-style: chr3-14180768-A-T.
Other names: c.974A>T, p.Asn325Ile (NM_001407274.1); c.968A>T, p.Asn323Ile (NM_001407275.1, NM_001407276.1); c.965A>T, p.Asn322Ile (NM_001407277.1); c.956A>T, p.Asn319Ile (NM_001407278.1); c.896A>T, p.Asn299Ile (NM_001407279.1); c.821A>T, p.Asn274Ile (NM_001407280.1); short protein forms N274I, N299I, N319I, N322I, N323I, N324I, N325I.
Identifiers: ClinVar variation 1718820 (VCV001718820.5), dbSNP rs2470196872, ClinGen allele CA351536270.

ClinVar aggregate classification (germline): Uncertain significance (1 of 4 stars; one submission).

Conditions:
Arrhythmogenic right ventricular dysplasia 5. Also called: ARRHYTHMOGENIC RIGHT VENTRICULAR DYSPLASIA, FAMILIAL, 5; Arrhythmogenic Right Ventricular Dysplasia/Cardiomyopathy 5. Identifiers: MedGen C1858379, MONDO:0011459, OMIM 604400.

Submission:

Labcorp Genetics (formerly Invitae), Labcorp
Classification: Uncertain significance for Arrhythmogenic right ventricular dysplasia 5. Last evaluated: 2022-09-27. Review status: criteria provided, single submitter. Criteria: Invitae Variant Classification Sherloc (09022015). Collection method: clinical testing. Allele origin: germline.
Comment: This variant is not present in population databases (gnomAD no frequency). This variant has not been reported in the literature in individuals affected with TMEM43-related conditions. Advanced modeling of protein sequence and biophysical properties (such as structural, functional, and spatial information, amino acid conservation, physicochemical variation, residue mobility, and thermodynamic stability) performed at Invitae indicates that this missense variant is not expected to disrupt TMEM43 protein function. In summary, the available evidence is currently insufficient to determine the role of this variant in disease. Therefore, it has been classified as a Variant of Uncertain Significance. This sequence change replaces asparagine, which is neutral and polar, with isoleucine, which is neutral and non-polar, at codon 324 of the TMEM43 protein (p.Asn324Ile).